The following is an entry in ClinVar:

NM_001302371.3(NBPF10):c.10703A>C (p.Tyr3568Ser)

Gene: NBPF10 (NBPF member 10; minus strand). Cytogenetic location: 1q21.1.
Variant type: single nucleotide variant.
Coding change: c.10703A>C on transcript NM_001302371.3 (MANE Select); coding-DNA position 10703, A replaced by C.
Protein change: p.Tyr3568Ser; replaces tyrosine 3568 with serine.
Molecular consequence: missense variant.
Genome position (GRCh38, 1-based): chr1:146,069,650, T>G on the plus strand (A>C on the coding strand, the complement: NBPF10 is on the minus strand). VCF-style: chr1-146069650-T-G. GRCh37 (hg19) VCF-style: chr1-145365352-A-C.
Other names: c.10196A>C, p.Tyr3399Ser (NM_001039703.6); short protein forms Y3399S, Y3568S.
Identifiers: ClinVar variation 2639103 (VCV002639103.24), dbSNP rs587638297, ClinGen allele CA1052935.

ClinVar aggregate classification (germline): Likely benign (1 of 4 stars; one submission).

Allele frequency attached by ClinVar (database versions not stated): 1000 Genomes Project 30x 0.00203; 1000 Genomes Project 0.00280.

Submission:

CeGaT Center for Human Genetics Tuebingen
Classification: Likely benign. Last evaluated: 2026-09-01. Review status: criteria provided, single submitter. Criteria: CeGaT Center For Human Genetics Tuebingen Variant Classification Criteria Version 2. Collection method: clinical testing. Allele origin: germline. Affected: yes. Observed: 6 variant alleles.
Comment: NBPF10: BP4, BS2